The following is an entry in ClinVar:

ClinVar aggregate classification (germline): Likely benign. Review status: criteria provided, single submitter (1 of 4 stars). 2 submissions from 2 submitters: Likely benign (1). 1 of the submissions does not count toward it. Last evaluated 2026-02-01.

Conditions:
TOP2B-related disorder. Also called: TOP2B-related condition.

Submissions (2):

Labcorp Genetics (formerly Invitae), Labcorp
Classification: Likely benign. Last evaluated: 2026-02-01. Review status: criteria provided, single submitter. Criteria: Invitae Variant Classification Sherloc (09022015). Collection method: clinical testing. Allele origin: germline.

PreventionGenetics, part of Exact Sciences
Classification: Likely benign for TOP2B-related condition. Last evaluated: 2022-12-15. Review status: no assertion criteria provided. Collection method: clinical testing. Allele origin: germline. Not counted in ClinVar's aggregate classification.
Comment: This variant is classified as likely benign based on ACMG/AMP sequence variant interpretation guidelines (Richards et al. 2015 PMID: 25741868, with internal and published modifications).

NM_001330700.2(TOP2B):c.396-19_396-5del

Gene: TOP2B (DNA topoisomerase II beta; minus strand). Cytogenetic location: 3p24.2.
Variant type: Deletion.
Coding change: c.396-19_396-5del on transcript NM_001330700.2 (MANE Select); 19 bases into the intron before coding-DNA position 396 through 5 bases into the intron before coding-DNA position 396, 15 bases deleted (TTTTTTTTTTTTTTT).
Molecular consequence: intron variant.
Genome position (GRCh38, 1-based): chr3:25,638,315-25,638,329, AAAAAAAAAAAAAAA deleted on the plus strand (TTTTTTTTTTTTTTT on the coding strand, the reverse complement: TOP2B is on the minus strand); deleting any 15 consecutive bases within chr3:25,638,315-25,638,352 gives the same sequence; the c. name uses the placement nearest the transcript's 3' end. VCF-style (leftmost placement, unchanged base first): chr3-25638314-TAAAAAAAAAAAAAAA-T. GRCh37 (hg19) VCF-style: chr3-25679805-TAAAAAAAAAAAAAAA-T.
Other names: c.381-19_381-5del (NM_001068.3); c.396-19_396-5del15 (NM_001330700.1).
Identifiers: ClinVar variation 1107907 (VCV001107907.9), dbSNP rs56986587, ClinGen allele CA905648749.